The following is an entry in ClinVar:

NM_000465.4(BARD1):c.313A>G (p.Ile105Val)

Gene: BARD1 (BRCA1 associated RING domain 1; minus strand). Cytogenetic location: 2q35.
Variant type: single nucleotide variant.
Coding change: c.313A>G on transcript NM_000465.4 (MANE Select); coding-DNA position 313, A replaced by G.
Protein change: p.Ile105Val; replaces isoleucine 105 with valine.
Molecular consequence: missense variant. On other transcripts: non-coding transcript variant (1), intron variant (2).
Genome position (GRCh38, 1-based): chr2:214,792,348, T>C on the plus strand (A>G on the coding strand, the complement: BARD1 is on the minus strand). VCF-style: chr2-214792348-T-C. GRCh37 (hg19) VCF-style: chr2-215657072-T-C.
Other names: c.256A>G, p.Ile86Val (NM_001282543.2); c.313A>G, p.Ile105Val (NM_001282549.2); c.158+17064A>G (NM_001282548.2); c.215+4713A>G (NM_001282545.2); short protein forms I105V, I86V.
Identifiers: ClinVar variation 2573185 (VCV002573185.1), dbSNP rs1574839522, ClinGen allele CA350460940.
Genomic context (GRCh38, chr2:214,792,348, plus strand): 5'-AGTTCTTACCTGACAGCTCATTGTCATGTAGCAAATTTCGAAGCTTACTACAAAGTTGAA[T>C]CATGCTGTCCAGTTGTCTATTTATCTTCAAGTCTTGTATCCAGGCCGGGGTGTAACACAC-3'
Protein context (NP_000456.2, residues 95-115): LKINRQLDSM[Ile105Val]QLCSKLRNLL

ClinVar aggregate classification (germline): Uncertain significance (1 of 4 stars; one submission).

Conditions:
Familial cancer of breast. Also called: hereditary breast carcinoma; Hereditary breast cancer; BREAST CANCER, FAMILIAL. Identifiers: Orphanet 227535, MedGen C0346153, MONDO:0016419, OMIM 114480. Disease mechanism: loss of function.

Submission:

KCCC/NGS Laboratory, Kuwait Cancer Control Center
Classification: Uncertain significance for Familial cancer of breast. Last evaluated: 2023-07-07. Review status: criteria provided, single submitter. Criteria: ACMG Guidelines, 2015. Collection method: clinical testing. Allele origin: unknown. Affected: yes.
Comment: This sequence change replaces isoleucine with valine at codon 105 of the BARD1 protein (p.Ile105Val). This variant is not present in population databases (ExAC no frequency). This variant has not been reported in the literature in individuals with BARD1-related disease. Algorithms developed to predict the effect of missense changes on protein structure and function output the following: SIFT: "Tolerated"; PolyPhen-2: "Benign"; Align-GVGD: "Class C0". The glutamic acid amino acid residue is found in multiple mammalian species, suggesting that this missense change does not adversely affect protein function. These predictions have not been confirmed by published functional studies and their clinical significance is uncertain. In summary, the available evidence is currently insufficient to determine the role of this variant in disease. Therefore, it has been classified as a Variant of Uncertain Significance.